The following is an entry in ClinVar:

NM_001211.6(BUB1B):c.2323T>C (p.Cys775Arg)

Gene: BUB1B (BUB1 mitotic checkpoint serine/threonine kinase B; plus strand). Cytogenetic location: 15q15.1.
Variant type: single nucleotide variant.
Coding change: c.2323T>C on transcript NM_001211.6 (MANE Select); coding-DNA position 2323, T replaced by C.
Protein change: p.Cys775Arg; replaces cysteine 775 with arginine.
Molecular consequence: missense variant.
Genome position (GRCh38, 1-based): chr15:40,210,148, T>C. VCF-style: chr15-40210148-T-C. GRCh37 (hg19) VCF-style: chr15-40502349-T-C.
Other names: short protein forms C775R.
Identifiers: ClinVar variation 567171 (VCV000567171.10), dbSNP rs1025942169, ClinGen allele CA391694925.

ClinVar aggregate classification (germline): Uncertain significance (1 of 4 stars; one submission).

Conditions:
Mosaic variegated aneuploidy syndrome 1 (MVA1). Also called: Warburton-Anyane-Yeboa syndrome. Identifiers: Orphanet 1052, MedGen C1850343, MONDO:0009759, OMIM 257300.

Submission:

Labcorp Genetics (formerly Invitae), Labcorp
Classification: Uncertain significance for Mosaic variegated aneuploidy syndrome 1. Last evaluated: 2018-03-12. Review status: criteria provided, single submitter. Criteria: Invitae Variant Classification Sherloc (09022015). Collection method: clinical testing. Allele origin: germline.
Comment: In summary, the available evidence is currently insufficient to determine the role of this variant in disease. Therefore, it has been classified as a Variant of Uncertain Significance. Algorithms developed to predict the effect of missense changes on protein structure and function (SIFT, PolyPhen-2, Align-GVGD) all suggest that this variant is likely to be tolerated, but these predictions have not been confirmed by published functional studies and their clinical significance is uncertain. This variant has not been reported in the literature in individuals with BUB1B-related disease. This variant is not present in population databases (ExAC no frequency). This sequence change replaces cysteine with arginine at codon 775 of the BUB1B protein (p.Cys775Arg). The cysteine residue is weakly conserved and there is a large physicochemical difference between cysteine and arginine.